The following is an entry in ClinVar:

ClinVar aggregate classification (germline): Likely pathogenic (1 of 4 stars; one submission).

Conditions:
COL1A1-related disorder. Also called: COL1A1- related disease; COL1A1-related condition.

Submission:

PreventionGenetics, part of Exact Sciences
Classification: Likely pathogenic for COL1A1-related condition. Last evaluated: 2025-05-04. Review status: criteria provided, single submitter. Criteria: ACMG Guidelines, 2015. Collection method: clinical testing. Allele origin: germline.
Comment: The COL1A1 c.3388G>C variant is predicted to result in the amino acid substitution p.Gly1130Arg. To our knowledge, this variant has not been reported in the literature or in a large population database (gnomAD), indicating this variant is rare. This variant is located in the conserved Gly-Xaa-Yaa triple helical domain where substitutions of a glycine are usually pathogenic (Marini et al. 2007. PubMed ID: 17078022; Symoens. 2014. PubMed ID: 25146735). An alternate substitution of this amino acid (p.Gly1130Asp) has been reported in one individual with osteogenesis imperfecta (reported as c.3389G>A in Table 1, Tang et al. 2021. PubMed ID: 33777089). This variant is interpreted as likely pathogenic.

NM_000088.4(COL1A1):c.3388G>C (p.Gly1130Arg)

Gene: COL1A1 (collagen type I alpha 1 chain; minus strand). Cytogenetic location: 17q21.33.
Variant type: single nucleotide variant.
Coding change: c.3388G>C on transcript NM_000088.4 (MANE Select); coding-DNA position 3388, G replaced by C.
Protein change: p.Gly1130Arg; replaces glycine 1130 with arginine.
Molecular consequence: missense variant.
Genome position (GRCh38, 1-based): chr17:50,187,519, C>G on the plus strand (G>C on the coding strand, the complement: COL1A1 is on the minus strand). VCF-style: chr17-50187519-C-G. GRCh37 (hg19) VCF-style: chr17-48264880-C-G.
Other names: short protein forms G1130R.
Identifiers: ClinVar variation 5000324 (VCV005000324.1).
Genomic context (GRCh38, chr17:50,187,519, plus strand): 5'-AGAGGAGAGAGAAGGCATGACTTACTCGGGGACCAGCAGGACCAGAGGCTCCAGAGGGAC[C>G]TTGTTCACCAGGAGAGCCCTGAAGGACAGATAAAAAAGGCAGTTCAGGCCCAGTGAGCGT-3'
Protein context (NP_000079.2, residues 1120-1140): PGPPGSPGEQ[Gly1130Arg]PSGASGPAGP